The following is an entry in ClinVar:

ClinVar aggregate classification (germline): Uncertain significance (1 of 4 stars; one submission).

Submission:

GeneDx
Classification: Uncertain significance. Last evaluated: 2024-09-20. Review status: criteria provided, single submitter. Criteria: GeneDx Variant Classification Process June 2021. Collection method: clinical testing. Allele origin: germline. Affected: yes.
Comment: Not observed at significant frequency in large population cohorts (gnomAD); Has not been previously published as pathogenic or benign to our knowledge; In silico analysis is inconclusive as to whether the variant alters gene splicing. In the absence of RNA/functional studies, the actual effect of this sequence change is unknown.

NM_000292.3(PHKA2):c.1137_1137+3dup

Gene: PHKA2 (phosphorylase kinase regulatory subunit alpha 2; minus strand). Cytogenetic location: Xp22.13.
Variant type: Duplication.
Coding change: c.1137_1137+3dup on transcript NM_000292.3 (MANE Select); coding-DNA position 1137 through 3 bases into the intron after coding-DNA position 1137, 4 bases duplicated (GGTA; older notation c.1137_1137+3dupGGTA).
Molecular consequence: splice donor variant.
Genome position (GRCh38, 1-based): chrX:18,936,052-18,936,055, TACC duplicated on the plus strand (GGTA on the coding strand, the reverse complement: PHKA2 is on the minus strand); duplicating any 4 consecutive bases within chrX:18,936,052-18,936,056 gives the same sequence; the c. name uses the placement nearest the transcript's 3' end. VCF-style (leftmost placement, unchanged base first): chrX-18936051-T-TTACC. GRCh37 (hg19) VCF-style: chrX-18954169-T-TTACC.
Identifiers: ClinVar variation 3774279 (VCV003774279.1).